The following is an entry in ClinVar:

NM_000138.5(FBN1):c.3878_3891del (p.Ser1293fs)

Gene: FBN1 (fibrillin 1; minus strand). Cytogenetic location: 15q21.1.
Variant type: Deletion.
Coding change: c.3878_3891del on transcript NM_000138.5 (MANE Select); coding-DNA positions 3878 to 3891, 14 bases deleted (GTGGGACCTGTGAA).
Protein change: p.Ser1293fs; shifts the reading frame from serine 1293.
Molecular consequence: frameshift variant.
Genome position (GRCh38, 1-based): chr15:48,481,728-48,481,741, TTCACAGGTCCCAC deleted on the plus strand (GTGGGACCTGTGAA on the coding strand, the reverse complement: FBN1 is on the minus strand); deleting any 14 consecutive bases within chr15:48,481,728-48,481,743 gives the same sequence; the c. name uses the placement nearest the transcript's 3' end. VCF-style (leftmost placement, unchanged base first): chr15-48481727-TTTCACAGGTCCCAC-T. GRCh37 (hg19) VCF-style: chr15-48773924-TTTCACAGGTCCCAC-T.
Other names: c.3876_3889delAAGTGGGACCTGTG, p.Ser1293Lysfs (NM_001406716.1); short protein forms S1293fs.
Identifiers: ClinVar variation 2036310 (VCV002036310.4), dbSNP rs2505533607, ClinGen allele CA2580089544.
Genomic context (GRCh38, chr15:48,481,727, plus strand): 5'-TTTTTCCTTTTTTGCCGGAGTAGCCCATATCACAGTGGCAGATAAATGAGCCTTTCGTGT[TTTCACAGGTCCCAC>T]TTAGGCAGATATTTGGATTCAGGTCACACTCATTGACATCTGTAAAACATATATACTATT-3'

ClinVar aggregate classification (germline): Pathogenic (1 of 4 stars; one submission).

Conditions:
Familial thoracic aortic aneurysm and aortic dissection (TAAD). Also called: Thoracic aortic aneurysms and dissections. Identifiers: Orphanet 91387, MedGen C4707243, MONDO:0019625.
Marfan syndrome (MFS). Also called: MARFAN SYNDROME, TYPE I; Marfan syndrome type 1; Marfan's syndrome; Marfan syndrome, classic; FBN1-Related Marfan Syndrome. Identifiers: Orphanet 284963, Orphanet 558, MedGen C0024796, MONDO:0007947, OMIM 154700.

Submission:

Labcorp Genetics (formerly Invitae), Labcorp
Classification: Pathogenic for Marfan syndrome; Familial thoracic aortic aneurysm and aortic dissection. Last evaluated: 2022-10-20. Review status: criteria provided, single submitter. Criteria: Invitae Variant Classification Sherloc (09022015). Collection method: clinical testing. Allele origin: germline.
Comment: This sequence change creates a premature translational stop signal (p.Ser1293Lysfs*11) in the FBN1 gene. It is expected to result in an absent or disrupted protein product. Loss-of-function variants in FBN1 are known to be pathogenic (PMID: 17657824, 19293843). This variant is not present in population databases (gnomAD no frequency). This variant has not been reported in the literature in individuals affected with FBN1-related conditions. For these reasons, this variant has been classified as Pathogenic.

Literature cited by the submitters: PubMed 17657824; PubMed 19293843.